The following is an entry in ClinVar:

NM_002474.3(MYH11):c.3964G>T (p.Glu1322Ter)

Genes: NDE1 (nudE neurodevelopment protein 1; plus strand), MYH11 (myosin heavy chain 11; minus strand). Cytogenetic location: 16p13.11.
Variant type: single nucleotide variant.
Coding change: c.3964G>T on transcript NM_002474.3 (MANE Select); coding-DNA position 3964, G replaced by T.
Protein change: p.Glu1322Ter; replaces glutamic acid 1322 with a stop codon.
Molecular consequence: nonsense. On other transcripts: 3 prime UTR variant (2).
Genome position (GRCh38, 1-based): chr16:15,724,799, C>A on the plus strand (G>T on the coding strand, the complement: MYH11 is on the minus strand). VCF-style: chr16-15724799-C-A. GRCh37 (hg19) VCF-style: chr16-15818656-C-A.
Other names: c.3985G>T, p.Glu1329Ter (NM_001040113.2, NM_001040114.2); c.3964G>T, p.Glu1322Ter (NM_022844.3); c.*548C>A (NM_001143979.2, NM_017668.3); short protein forms E1322*, E1329*.
Identifiers: ClinVar variation 3387189 (VCV003387189.1).

ClinVar aggregate classification (germline): Uncertain significance (1 of 4 stars; one submission).

Conditions:
Familial thoracic aortic aneurysm and aortic dissection (TAAD). Also called: Thoracic aortic aneurysms and dissections. Identifiers: Orphanet 91387, MedGen C4707243, MONDO:0019625.

Submission:

All of Us Research Program, National Institutes of Health
Classification: Uncertain significance for Familial thoracic aortic aneurysm and aortic dissection. Last evaluated: 2024-09-23. Review status: criteria provided, single submitter. Criteria: ACMG Guidelines, 2015. Collection method: clinical testing. Allele origin: germline. Inheritance: Autosomal dominant inheritance. Observed: 1 variant allele, 1 heterozygote.
Comment: This study involves interpretation of variants in research participants for the purpose of population health screening. Participant phenotype was not available at the time of variant classification. Additional details can be found in publication PMID: 35346344, PMCID: PMC8962531